The following is an entry in ClinVar:

NM_000981.4(RPL19):c.80A>G (p.Asn27Ser)

Gene: RPL19 (ribosomal protein L19; plus strand). Cytogenetic location: 17q12.
Variant type: single nucleotide variant.
Coding change: c.80A>G on transcript NM_000981.4 (MANE Select); coding-DNA position 80, A replaced by G.
Protein change: p.Asn27Ser; replaces asparagine 27 with serine.
Molecular consequence: missense variant.
Genome position (GRCh38, 1-based): chr17:39,201,287, A>G. VCF-style: chr17-39201287-A-G. GRCh37 (hg19) VCF-style: chr17-37357540-A-G.
Other names: c.74A>G, p.Asn25Ser (NM_001330200.1); short protein forms N27S, N25S.
Identifiers: ClinVar variation 4703034 (VCV004703034.1).
Genomic context (GRCh38, chr17:39,201,287, plus strand): 5'-AGAAGAGGCTCGCCTCTAGTGTCCTCCGCTGTGGCAAGAAGAAGGTCTGGTTAGACCCCA[A>G]TGAGACCAATGAAATCGCCAATGCCAACTCCCGTGAGTACCTGGGATCTGTCTCTTCACC-3'
Protein context (NP_000972.1, residues 17-37): CGKKKVWLDP[Asn27Ser]ETNEIANANS

ClinVar aggregate classification (germline): Uncertain significance (1 of 4 stars; one submission).

gnomAD v4.1: 3 of 1,613,064 alleles (0.00019%); highest among the groups gnomAD compares: Non-Finnish European, 0.00025%; no homozygotes.

Submission:

Labcorp Genetics (formerly Invitae), Labcorp
Classification: Uncertain significance. Last evaluated: 2025-02-06. Review status: criteria provided, single submitter. Criteria: Invitae Variant Classification Sherloc (09022015). Collection method: clinical testing. Allele origin: germline.
Comment: This sequence change replaces asparagine, which is neutral and polar, with serine, which is neutral and polar, at codon 27 of the RPL19 protein (p.Asn27Ser). This variant is not present in population databases (gnomAD no frequency). This variant has not been reported in the literature in individuals affected with RPL19-related conditions. An algorithm developed to predict the effect of missense changes on protein structure and function (PolyPhen-2) suggests that this variant is likely to be tolerated. In summary, the available evidence is currently insufficient to determine the role of this variant in disease. Therefore, it has been classified as a Variant of Uncertain Significance.